The following is an entry in ClinVar:

NM_003000.3(SDHB):c.287G>A (p.Gly96Asp)

Gene: SDHB (succinate dehydrogenase complex iron sulfur subunit B; minus strand). Cytogenetic location: 1p36.13.
Variant type: single nucleotide variant.
Coding change: c.287G>A on transcript NM_003000.3 (MANE Select); coding-DNA position 287, G replaced by A.
Protein change: p.Gly96Asp; replaces glycine 96 with aspartic acid.
Molecular consequence: missense variant.
Genome position (GRCh38, 1-based): chr1:17,028,736, C>T on the plus strand (G>A on the coding strand, the complement: SDHB is on the minus strand). VCF-style: chr1-17028736-C-T. GRCh37 (hg19) VCF-style: chr1-17355231-C-T.
Other names: short protein forms G96D.
Identifiers: ClinVar variation 428916 (VCV000428916.17), dbSNP rs778952116, ClinGen allele CA089580.

ClinVar aggregate classification (germline): Pathogenic/Likely pathogenic. Review status: criteria provided, multiple submitters, no conflicts (2 of 4 stars). 8 submissions from 8 submitters: Pathogenic (4); Likely pathogenic (3). 1 of the submissions does not count toward it. Last evaluated 2026-04-01.

Conditions:
SDHB-related disorder. Also called: SDHB-related disorders; SDHB-related condition. Identifiers: MedGen CN239418.
Gastrointestinal stromal tumor. Also called: Gastrointestinal stroma tumor; Gastrointestinal stromal tumor, somatic. Identifiers: Orphanet 44890, MedGen C0238198, MeSH D046152, MONDO:0011719, OMIM 606764, HP:0100723.
Pheochromocytoma. Also called: MAX-Related Hereditary Paraganglioma-Pheochromocytoma Syndrome. Identifiers: Orphanet 29072, MedGen C0031511, MONDO:0008233, OMIM 171300, HP:0002666.
Pheochromocytoma/paraganglioma syndrome 4. Also called: CAROTID BODY TUMORS AND MULTIPLE EXTRAADRENAL PHEOCHROMOCYTOMAS; PARAGANGLIOMA, FAMILIAL MALIGNANT; PARAGANGLIOMAS, HEREDITARY EXTRAADRENAL; PHEOCHROMOCYTOMA, FAMILIAL EXTRAADRENAL; Paragangliomas 4; SDHB-Related Hereditary Paraganglioma-Pheochromocytoma Syndrome (Paragangliomas 4). Identifiers: Orphanet 29072, MedGen C1861848, MONDO:0007273, OMIM 115310.
Hereditary cancer-predisposing syndrome. Also called: Hereditary Cancer Syndrome; Tumor predisposition; Hereditary neoplastic syndrome; Neoplastic Syndromes, Hereditary. Identifiers: Orphanet 140162, MedGen C0027672, MeSH D009386, MONDO:0015356.
Hereditary pheochromocytoma and paraganglioma. Also called: Hereditary Paraganglioma-Pheochromocytoma Syndromes; Hereditary paragangliomas and pheochromocytomas; Hereditary pheochromocytoma-paraganglioma. Identifiers: Orphanet 29072, MedGen C4274332, MONDO:0017366.

Allele frequency attached by ClinVar (database versions not stated): gnomAD exomes 0.00001; TOPMed below 0.00001; ExAC 0.00001.
gnomAD v4.1: 4 of 1,613,792 alleles (0.00025%); highest among the groups gnomAD compares: African/African-American, 0.0013%; no homozygotes.

Submissions (8):

Clinical Genetics Laboratory, Skane University Hospital Lund
Classification: Pathogenic for Pheochromocytoma/paraganglioma syndrome 4. Last evaluated: 2026-04-01. Review status: criteria provided, single submitter. Criteria: ACMG Guidelines, 2015. Collection method: clinical testing. Allele origin: germline. Affected: yes.
Comment: SDHB (NM_003000.3) c.287G>A, p.(Gly96Asp) represents a nucleotide substitution in exon 4 of 8, resulting in the amino acid change indicated above, which is predicted to be deleterious to protein function. SDHB c.287G>A has previously been observed at low allele frequency in the general population, has been described in the literature, and has been reported to segregate with related symptoms in one family (PMID: 28891197). The variant is reported as predominantly pathogenic in the ClinVar database (Accession: VCV000428916.14). Another amino acid substitution at the same position, SDHB c.286G>A, p.(Gly96Ser), has been reported as pathogenic in ClinVar (Accession: VCV000142111.36). The variant has been classified as pathogenic based on the following ACMG criteria: PS4, PM2_Supporting, PM5, PP1_Moderate, PP3, and PP4.

GeneDx
Classification: Likely pathogenic. Last evaluated: 2026-03-16. Review status: criteria provided, single submitter. Criteria: GeneDx Variant Classification Process June 2021. Collection method: clinical testing. Allele origin: germline.
Comment: In silico analysis supports that this missense variant has a deleterious effect on protein structure/function; Not observed at significant frequency in large population cohorts (gnomAD); This variant is associated with the following publications: (PMID: 25972245, 23512077, 18840642, 16317055, 16912137, 17538171, 19075037, 25371406, 17200167, 22904323, 24334767, 28891197, 28374168, 34906457, 34308104, 40981001, 34072806, 34939938)

Labcorp Genetics (formerly Invitae), Labcorp
Classification: Pathogenic for Gastrointestinal stromal tumor; Pheochromocytoma/paraganglioma syndrome 4; Pheochromocytoma. Last evaluated: 2026-01-05. Review status: criteria provided, single submitter. Criteria: Invitae Variant Classification Sherloc (09022015). Collection method: clinical testing. Allele origin: germline.
Comment: This sequence change replaces glycine, which is neutral and non-polar, with aspartic acid, which is acidic and polar, at codon 96 of the SDHB protein (p.Gly96Asp). This variant is present in population databases (rs778952116, gnomAD 0.02%). This missense change has been observed in individuals with paraganglioma, pheochromocytoma or renal cell carcinoma (PMID: 16317055, 17538171, 19075037, 28891197; internal data). It has also been observed to segregate with disease in related individuals. ClinVar contains an entry for this variant (Variation ID: 428916). An algorithm developed to predict the effect of missense changes on protein structure and function (PolyPhen-2) suggests that this variant is likely to be disruptive. For these reasons, this variant has been classified as Pathogenic.

Ambry Genetics
Classification: Pathogenic for Hereditary cancer-predisposing syndrome. Last evaluated: 2024-10-30. Review status: criteria provided, single submitter. Criteria: Ambry Variant Classification Scheme 2023. Collection method: clinical testing. Allele origin: germline.
Comment: The p.G96D pathogenic mutation (also known as c.287G>A) is located in coding exon 4 of the SDHB gene. The glycine at codon 96 is replaced by aspartic acid, an amino acid with similar properties. This variant has been reported in multiple individuals diagnosed with paragangliomas and/or pheochromocytomas (Benn DE et al. J Clin Endocrinol Metab. 2006 Mar;91(3):827-36; Timmers HJ et al. J Clin Endocrinol Metab. 2008 Dec;93(12):4826-32; Ghayee HK et al. Endocr. Relat. Cancer, 2009 Mar;16:291-9; Jochmanova I et al. J. Cancer Res. Clin. Oncol., 2017 Aug;143:1421-1435; Samuel N et al. J Surg Oncol, 2018 Feb;117:160-162; Guha A et al. Biomedicines, 2021 May;9:; Gordon DM et al. Endocr Connect, 2022 Jan;11:; Ambry internal data). This amino acid position is highly conserved in available vertebrate species. In addition, this alteration is predicted to be deleterious by in silico analysis. Based on the supporting evidence, this variant is interpreted as a disease-causing mutation.

Myriad Genetics, Inc.
Classification: Likely pathogenic for Pheochromocytoma/paraganglioma syndrome 4. Last evaluated: 2024-08-27. Review status: criteria provided, single submitter. Criteria: Myriad Autosomal Dominant, Autosomal Recessive and X-Linked Classification Criteria (2023). Collection method: clinical testing. Allele origin: unknown.
Comment: This variant is considered likely pathogenic. This variant has been reported in multiple individuals with clinical features of gene-specific disease [PMID: 34939938, 23512077, 34072806, 16317055].

Blueprint Genetics
Classification: Likely pathogenic for SDHB-related disorders. Last evaluated: 2023-11-27. Review status: criteria provided, single submitter. Criteria: ACMG Guidelines, 2015. Collection method: clinical testing. Allele origin: germline. Affected: yes. Observed: 2 variant alleles.

Center for Human Genetics, Inc
Classification: Pathogenic for Pheochromocytoma/paraganglioma syndrome 4. Last evaluated: 2016-11-01. Review status: criteria provided, single submitter. Criteria: ACMG Guidelines, 2015. Collection method: clinical testing. Allele origin: germline. Affected: yes.

Section on Medical Neuroendocrinolgy, National Institutes of Health
Classification: Likely pathogenic for Hereditary pheochromocytoma and paraganglioma. Review status: no assertion criteria provided. Collection method: research. Allele origin: germline. Affected: yes. Not counted in ClinVar's aggregate classification.

Literature cited by the submitters: PubMed 16317055 (cited by Labcorp Genetics (formerly Invitae), Labcorp and Myriad Genetics, Inc.); PubMed 17538171 (cited by Labcorp Genetics (formerly Invitae), Labcorp); PubMed 19075037 (cited by Labcorp Genetics (formerly Invitae), Labcorp and Ambry Genetics); PubMed 28891197 (cited by Labcorp Genetics (formerly Invitae), Labcorp and Ambry Genetics); PubMed 28374168 (cited by Ambry Genetics); PubMed 34072806 (cited by Ambry Genetics and Myriad Genetics, Inc.); PubMed 34939938 (cited by Ambry Genetics and Myriad Genetics, Inc.); PubMed 23512077 (cited by Myriad Genetics, Inc.).